The following is an entry in ClinVar:

ClinVar aggregate classification (germline): Benign. Review status: criteria provided, multiple submitters, no conflicts (2 of 4 stars). 6 submissions from 6 submitters: Benign (6). Last evaluated 2026-02-02.

Conditions:
Oculotrichoanal syndrome (MOTA). Also called: MARLES SYNDROME; Manitoba Oculotrichoanal (MOTA) Syndrome. Identifiers: Orphanet 2717, MedGen C1855425, MONDO:0009560, OMIM 248450.

Allele frequency attached by ClinVar (database versions not stated): gnomAD exomes 0.01245 and 0.03150; ExAC 0.03629; gnomAD 0.08768 and 0.09339; ESP Exome Variant Server 0.08844; TOPMed 0.10094; 1000 Genomes Project 0.11162; 1000 Genomes Project 30x 0.11633.
gnomAD v4.1: 31,933 of 1,600,106 alleles (2%); highest among the groups gnomAD compares: African/African-American, 29%; 3,371 homozygotes.

Submissions (6):

Labcorp Genetics (formerly Invitae), Labcorp
Classification: Benign. Last evaluated: 2026-02-02. Review status: criteria provided, single submitter. Criteria: Invitae Variant Classification Sherloc (09022015). Collection method: clinical testing. Allele origin: germline.

Blueprint Genetics
Classification: Benign. Last evaluated: 2024-11-27. Review status: criteria provided, single submitter. Criteria: ACMG Guidelines, 2015. Collection method: clinical testing. Allele origin: germline.

Mayo Clinic Laboratories, Mayo Clinic
Classification: Benign. Last evaluated: 2023-03-26. Review status: criteria provided, single submitter. Criteria: ACMG Guidelines, 2015. Collection method: clinical testing. Allele origin: germline. Observed: 9 variant alleles.

GeneDx
Classification: Benign. Last evaluated: 2021-05-04. Review status: criteria provided, single submitter. Criteria: GeneDx Variant Classification Process June 2021. Collection method: clinical testing. Allele origin: germline. Affected: yes.

Illumina Laboratory Services, Illumina
Classification: Benign for Oculotrichoanal syndrome. Last evaluated: 2018-01-13. Review status: criteria provided, single submitter. Criteria: ICSL Variant Classification Criteria 13 December 2019. Collection method: clinical testing. Allele origin: germline.
Comment: This variant was observed in the ICSL laboratory as part of a predisposition screen in an ostensibly healthy population. It had not been previously curated by ICSL or reported in the Human Gene Mutation Database (HGMD: prior to June 1st, 2018), and was therefore a candidate for classification through an automated scoring system. Utilizing variant allele frequency, disease prevalence and penetrance estimates, and inheritance mode, an automated score was calculated to assess if this variant is too frequent to cause the disease. Based on the score and internal cut-off values, a variant classified as benign is not then subjected to further curation. The score for this variant resulted in a classification of benign for this disease.

Breakthrough Genomics
Classification: Benign. Review status: criteria provided, single submitter. Criteria: ACMG Guidelines, 2015. Collection method: not provided. Allele origin: germline. Inheritance: Autosomal recessive inheritance. Affected: yes.

NM_001379081.2(FREM1):c.639A>G (p.Arg213=)

Gene: FREM1 (FRAS1 related extracellular matrix 1; minus strand). Cytogenetic location: 9p22.3.
Variant type: single nucleotide variant.
Coding change: c.639A>G on transcript NM_001379081.2 (MANE Select); coding-DNA position 639, A replaced by G.
Protein change: p.Arg213=; no amino-acid change (arginine 213 retained).
Molecular consequence: synonymous variant. On other transcripts: non-coding transcript variant (4).
Genome position (GRCh38, 1-based): chr9:14,857,742, T>C on the plus strand (A>G on the coding strand, the complement: FREM1 is on the minus strand). VCF-style: chr9-14857742-T-C. GRCh37 (hg19) VCF-style: chr9-14857740-T-C.
Other names: p.Arg213=; c.666A>G, p.Arg222= (NM_001370060.1); c.639A>G, p.Arg213= (NM_001370063.1, NM_001370065.1, NM_144966.7).
Identifiers: ClinVar variation 366166 (VCV000366166.18), dbSNP rs950739, ClinGen allele CA4991499.
Genomic context (GRCh38, chr9:14,857,742, plus strand): 5'-GAGGCTTCCTATTTTCTTTAATCCTGGGGTACAGCTCCCACCTGGACACTTCAGTTTTGC[T>C]CTCAGTTCTAGAATGTACAGCACTGGATTAAGAGAGTCACTTAAACATAACAATTGTAAA-3'
Protein context (NP_001366010.1, residues 203-223): PHSFFPESQL[Arg213=]AKLKCPGGSC